The following is an entry in ClinVar:

ClinVar aggregate classification (germline): Uncertain significance (1 of 4 stars; one submission).

Conditions:
Immunodeficiency, common variable, 7. Identifiers: Orphanet 1572, Orphanet 696894, MedGen C3542922, MONDO:0013862, OMIM 614699.

Allele frequency attached by ClinVar (database versions not stated): ExAC 0.00001; gnomAD 0.00002 and 0.00003; gnomAD exomes below 0.00001 and 0.00001; TOPMed 0.00003.
gnomAD v4.1: 20 of 1,613,978 alleles (0.0012%); highest among the groups gnomAD compares: Non-Finnish European, 0.0017%; no homozygotes.

Submission:

Labcorp Genetics (formerly Invitae), Labcorp
Classification: Uncertain significance for Immunodeficiency, common variable, 7. Last evaluated: 2021-08-26. Review status: criteria provided, single submitter. Criteria: Invitae Variant Classification Sherloc (09022015). Collection method: clinical testing. Allele origin: germline.
Comment: This sequence change replaces asparagine with lysine at codon 169 of the CR2 protein (p.Asn169Lys). The asparagine residue is weakly conserved and there is a moderate physicochemical difference between asparagine and lysine. This variant is present in population databases (rs759285664, ExAC 0.001%). This variant has not been reported in the literature in individuals affected with CR2-related conditions. Algorithms developed to predict the effect of missense changes on protein structure and function (SIFT, PolyPhen-2, Align-GVGD) all suggest that this variant is likely to be tolerated. In summary, the available evidence is currently insufficient to determine the role of this variant in disease. Therefore, it has been classified as a Variant of Uncertain Significance.

NM_001006658.3(CR2):c.507T>A (p.Asn169Lys)

Gene: CR2 (complement C3d receptor 2; plus strand). Cytogenetic location: 1q32.2.
Variant type: single nucleotide variant.
Coding change: c.507T>A on transcript NM_001006658.3 (MANE Select); coding-DNA position 507, T replaced by A.
Protein change: p.Asn169Lys; replaces asparagine 169 with lysine.
Molecular consequence: missense variant.
Genome position (GRCh38, 1-based): chr1:207,468,588, T>A. VCF-style: chr1-207468588-T-A. GRCh37 (hg19) VCF-style: chr1-207641933-T-A.
Other names: c.507T>A, p.Asn169Lys (NM_001877.5); short protein forms N169K.
Identifiers: ClinVar variation 1397182 (VCV001397182.5), dbSNP rs759285664, ClinGen allele CA1368452.